The following is an entry in ClinVar:

ClinVar aggregate classification (germline): Benign/Likely benign. Review status: criteria provided, multiple submitters, no conflicts (2 of 4 stars). 9 submissions from 9 submitters: Benign (2); Likely benign (6). 1 of the submissions does not count toward it. Last evaluated 2026-07-01.

Conditions:
PIGN-related disorder. Also called: PIGN-related condition.
Inborn genetic diseases. Identifiers: MedGen C0950123, MeSH D030342.
Multiple congenital anomalies-hypotonia-seizures syndrome 1 (MCAHS1). Also called: PIGN-CDG; Congenital disorder of glycosylation due to PIGN deficiency; GLYCOSYLPHOSPHATIDYLINOSITOL BIOSYNTHESIS DEFECT 3. Identifiers: Orphanet 280633, MedGen C3279775, MONDO:0013563, OMIM 614080.

Allele frequency attached by ClinVar (database versions not stated): ESP Exome Variant Server 0.00121; gnomAD 0.00170 and 0.00183; TOPMed 0.00236; 1000 Genomes Project 0.00319; 1000 Genomes Project 30x 0.00328.
gnomAD v4.1: 832 of 1,613,784 alleles (0.052%); highest among the groups gnomAD compares: African/African-American, 0.61%; 2 homozygotes.

Submissions (9):

CeGaT Center for Human Genetics Tuebingen
Classification: Likely benign. Last evaluated: 2026-07-01. Review status: criteria provided, single submitter. Criteria: CeGaT Center For Human Genetics Tuebingen Variant Classification Criteria Version 2. Collection method: clinical testing. Allele origin: germline. Affected: yes. Observed: 3 variant alleles.
Comment: PIGN: BP4, BP7

Labcorp Genetics (formerly Invitae), Labcorp
Classification: Benign for Multiple congenital anomalies-hypotonia-seizures syndrome 1. Last evaluated: 2026-02-02. Review status: criteria provided, single submitter. Criteria: Invitae Variant Classification Sherloc (09022015). Collection method: clinical testing. Allele origin: germline.

Mayo Clinic Laboratories, Mayo Clinic
Classification: Likely benign. Last evaluated: 2025-04-21. Review status: criteria provided, single submitter. Criteria: ACMG Guidelines, 2015. Collection method: clinical testing. Allele origin: germline. Observed: 1 variant allele.
Comment: BS1, BP4, BP7

Blueprint Genetics
Classification: Likely benign. Last evaluated: 2024-11-25. Review status: criteria provided, single submitter. Criteria: ACMG Guidelines, 2015. Collection method: clinical testing. Allele origin: germline.

Athena Diagnostics
Classification: Benign. Last evaluated: 2024-04-08. Review status: criteria provided, single submitter. Criteria: Athena Diagnostics Criteria. Collection method: clinical testing. Allele origin: unknown.

GeneDx
Classification: Likely benign. Last evaluated: 2020-12-09. Review status: criteria provided, single submitter. Criteria: GeneDx Variant Classification Process June 2021. Collection method: clinical testing. Allele origin: germline. Affected: yes.

Ambry Genetics
Classification: Likely benign for Inborn genetic diseases. Last evaluated: 2017-01-08. Review status: criteria provided, single submitter. Criteria: Ambry Variant Classification Scheme 2023. Collection method: clinical testing. Allele origin: germline.

Breakthrough Genomics
Classification: Likely benign. Review status: criteria provided, single submitter. Criteria: ACMG Guidelines, 2015. Collection method: not provided. Allele origin: germline. Inheritance: Autosomal recessive inheritance. Affected: yes.

PreventionGenetics, part of Exact Sciences
Classification: Likely benign for PIGN-related condition. Last evaluated: 2019-06-11. Review status: no assertion criteria provided. Collection method: clinical testing. Allele origin: germline. Not counted in ClinVar's aggregate classification.
Comment: This variant is classified as likely benign based on ACMG/AMP sequence variant interpretation guidelines (Richards et al. 2015 PMID: 25741868, with internal and published modifications).

NM_176787.5(PIGN):c.2751G>T (p.Thr917=)

Gene: PIGN (phosphatidylinositol glycan anchor biosynthesis class N; minus strand). Cytogenetic location: 18q21.33.
Variant type: single nucleotide variant.
Coding change: c.2751G>T on transcript NM_176787.5 (MANE Select); coding-DNA position 2751, G replaced by T.
Protein change: p.Thr917=; no amino-acid change (threonine 917 retained).
Molecular consequence: synonymous variant.
Genome position (GRCh38, 1-based): chr18:62,045,901, C>A on the plus strand (G>T on the coding strand, the complement: PIGN is on the minus strand). VCF-style: chr18-62045901-C-A. GRCh37 (hg19) VCF-style: chr18-59713134-C-A.
Other names: p.Thr917=; c.2751G>T, p.Thr917= (NM_012327.6).
Identifiers: ClinVar variation 472228 (VCV000472228.47), dbSNP rs200481058, ClinGen allele CA8981871.
Genomic context (GRCh38, chr18:62,045,901, plus strand): 5'-GGTGCTTCAGCAACCTCACATGAAGTGACTTTTGGGTTTGCCACATAGTCTGAGTTTCTT[C>A]GTTGTGAGCAGCTGGGCCAGGCCATTGAGGAACACCAAAAAGATGGTCATGGACATGACA-3'
Protein context (NP_789744.1, residues 907-927): FLNGLAQLLT[Thr917=]KKLRLCGKPK